The following is an entry in ClinVar:

NM_182710.3(KAT5):c.516C>A (p.Cys172Ter)

Gene: KAT5 (lysine acetyltransferase 5; plus strand). Cytogenetic location: 11q13.1.
Variant type: single nucleotide variant.
Coding change: c.516C>A on transcript NM_182710.3 (MANE Select); coding-DNA position 516, C replaced by A.
Protein change: p.Cys172Ter; replaces cysteine 172 with a stop codon.
Molecular consequence: nonsense. On other transcripts: intron variant (2).
Genome position (GRCh38, 1-based): chr11:65,713,479, C>A. VCF-style: chr11-65713479-C-A. GRCh37 (hg19) VCF-style: chr11-65480950-C-A.
Other names: c.417C>A, p.Cys139Ter (NM_006388.4); c.385-114C>A (NM_001206833.2); c.286-114C>A (NM_182709.3); short protein forms C139*, C172*.
Identifiers: ClinVar variation 4851395 (VCV004851395.1).
Genomic context (GRCh38, chr11:65,713,479, plus strand): 5'-CAAGGAGCGGGAGGCCATTCCCGGTGGCGAGCCTGACCAGCCGCTCTCCTCCAGCTCCTG[C>A]CTGCAGCCCAACCACCGCTCAACGGTACCCTCAGCAATTCCAGGGACCTTGCTTTCTTCT-3'

ClinVar aggregate classification (germline): Likely benign (1 of 4 stars; one submission).

Conditions:
Neurodevelopmental disorder with dysmorphic facies, sleep disturbance, and brain abnormalities. Identifiers: MedGen C5436821, MONDO:0030852, OMIM 619103.

Submission:

Centre for Medical Genetics,  Mumbai
Classification: Likely benign for Neurodevelopmental disorder with dysmorphic facies, sleep disturbance, and brain abnormalities. Last evaluated: 2026-04-18. Review status: criteria provided, single submitter. Criteria: ACMG Guidelines, 2015. Collection method: provider interpretation. Allele origin: germline. Inheritance: Autosomal dominant inheritance. Affected: no. Observed: 1 variant allele, 1 heterozygote.
Comment: The variant satisfies PM2 criteria - extremely low frequency in gnomAD population databases. However, the variant satisfies BS2 criteria - present in heterozygous state in an individual that clinically does not have neurodevelopmental disorder with dysmorphic facies, sleep disturbance, and brain abnormalities.

Literature cited by the submitters: PubMed 32822602.